The following is an entry in ClinVar:

NM_006186.4(NR4A2):c.863A>C (p.Lys288Thr)

Gene: NR4A2 (nuclear receptor subfamily 4 group A member 2; minus strand). Cytogenetic location: 2q24.1.
Variant type: single nucleotide variant.
Coding change: c.863A>C on transcript NM_006186.4 (MANE Select); coding-DNA position 863, A replaced by C.
Protein change: p.Lys288Thr; replaces lysine 288 with threonine.
Molecular consequence: missense variant.
Genome position (GRCh38, 1-based): chr2:156,329,324, T>G on the plus strand (A>C on the coding strand, the complement: NR4A2 is on the minus strand). VCF-style: chr2-156329324-T-G. GRCh37 (hg19) VCF-style: chr2-157185836-T-G.
Other names: c.674A>C, p.Lys225Thr (NM_173173.3); short protein forms K225T, K288T.
Identifiers: ClinVar variation 2578337 (VCV002578337.1), dbSNP rs2468285695, ClinGen allele CA348681513.

ClinVar aggregate classification (germline): Likely pathogenic (1 of 4 stars; one submission).

Conditions:
Intellectual developmental disorder with language impairment and early-onset DOPA-responsive dystonia-parkinsonism (IDLDP). Identifiers: Orphanet 660017, MedGen C5677001, MONDO:0859257, OMIM 619911.

Submission:

Center for Human Genetics and Genomic Medicine, Uniklinik Rwth Aachen
Classification: Likely pathogenic for Intellectual developmental disorder with language impairment and early-onset DOPA-responsive dystonia-parkinsonism. Last evaluated: 2023-09-05. Review status: criteria provided, single submitter. Criteria: ACMG Guidelines, 2015. Collection method: clinical testing. Allele origin: de novo. Inheritance: Autosomal dominant inheritance. Affected: yes.
Comment: The detected change is not reported in the general population (gnomAD) (as of August 10, 2023). It has not yet been described in the ClinVar database or in the literature. Bioinformatically, the change is classified as "likely disease-causing" (PolyPhen2, Mutation Taster, SIFT, CADDphred 33). The variant is currently to be regarded as a "likely pathogenic variant" (ACMG criteria).